The following is an entry in ClinVar:

NM_004341.5(CAD):c.1551C>G (p.Ala517=)

Gene: CAD (carbamoyl-phosphate synthetase 2, aspartate transcarbamylase, and dihydroorotase; plus strand). Cytogenetic location: 2p23.3.
Variant type: single nucleotide variant.
Coding change: c.1551C>G on transcript NM_004341.5 (MANE Select); coding-DNA position 1551, C replaced by G.
Protein change: p.Ala517=; no amino-acid change (alanine 517 retained).
Molecular consequence: synonymous variant.
Genome position (GRCh38, 1-based): chr2:27,225,174, C>G. VCF-style: chr2-27225174-C-G. GRCh37 (hg19) VCF-style: chr2-27448042-C-G.
Other names: c.1551C>G, p.Ala517= (NM_001306079.2).
Identifiers: ClinVar variation 773479 (VCV000773479.33), dbSNP rs201009278, ClinGen allele CA1572748.

ClinVar aggregate classification (germline): Likely benign. Review status: criteria provided, multiple submitters, no conflicts (2 of 4 stars). 2 submissions from 2 submitters: Likely benign (2). Last evaluated 2026-01-24.

Allele frequency attached by ClinVar (database versions not stated): gnomAD 0.00001; TOPMed 0.00003; ESP Exome Variant Server 0.00008; gnomAD exomes 0.00015; ExAC 0.00020; 1000 Genomes Project 0.00040; 1000 Genomes Project 30x 0.00062.

Submissions (2):

Labcorp Genetics (formerly Invitae), Labcorp
Classification: Likely benign. Last evaluated: 2026-01-24. Review status: criteria provided, single submitter. Criteria: Invitae Variant Classification Sherloc (09022015). Collection method: clinical testing. Allele origin: germline.

CeGaT Center for Human Genetics Tuebingen
Classification: Likely benign. Last evaluated: 2022-08-01. Review status: criteria provided, single submitter. Criteria: CeGaT Center For Human Genetics Tuebingen Variant Classification Criteria Version 2. Collection method: clinical testing. Allele origin: germline. Affected: yes. Observed: 1 variant allele.
Comment: CAD: BP4, BP7